The following is an entry in ClinVar:

NM_004525.3(LRP2):c.4391A>G (p.Asn1464Ser)

Gene: LRP2 (LDL receptor related protein 2; minus strand). Cytogenetic location: 2q31.1.
Variant type: single nucleotide variant.
Coding change: c.4391A>G on transcript NM_004525.3 (MANE Select); coding-DNA position 4391, A replaced by G.
Protein change: p.Asn1464Ser; replaces asparagine 1464 with serine.
Molecular consequence: missense variant.
Genome position (GRCh38, 1-based): chr2:169,238,206, T>C on the plus strand (A>G on the coding strand, the complement: LRP2 is on the minus strand). VCF-style: chr2-169238206-T-C. GRCh37 (hg19) VCF-style: chr2-170094716-T-C.
Other names: short protein forms N1464S.
Identifiers: ClinVar variation 1431268 (VCV001431268.7), dbSNP rs1689674986, ClinGen allele CA349144696.
Genomic context (GRCh38, chr2:169,238,206, plus strand): 5'-TCAGACCAAAAGATACGACCACTAATTGAATCAAAATCAACAGCTACAATGTAAGAACCA[T>C]TCTCGACCAATGAATAGATATTGTGGACCTGGGAGGTGACACTGTCGGCAATAATTTTGT-3'
Protein context (NP_004516.2, residues 1454-1474): QVHNIYSLVE[Asn1464Ser]GSYIVAVDFD

ClinVar aggregate classification (germline): Uncertain significance (1 of 4 stars; one submission).

Allele frequency attached by ClinVar (database versions not stated): gnomAD exomes below 0.00001; TOPMed 0.00001.
gnomAD v4.1: 1 of 1,614,188 alleles (0.000062%); highest among the groups gnomAD compares: Non-Finnish European, 0.000085%; no homozygotes.

Submission:

Labcorp Genetics (formerly Invitae), Labcorp
Classification: Uncertain significance. Last evaluated: 2024-05-06. Review status: criteria provided, single submitter. Criteria: Invitae Variant Classification Sherloc (09022015). Collection method: clinical testing. Allele origin: germline.
Comment: This sequence change replaces asparagine, which is neutral and polar, with serine, which is neutral and polar, at codon 1464 of the LRP2 protein (p.Asn1464Ser). This variant is not present in population databases (gnomAD no frequency). This variant has not been reported in the literature in individuals affected with LRP2-related conditions. ClinVar contains an entry for this variant (Variation ID: 1431268). Advanced modeling of protein sequence and biophysical properties (such as structural, functional, and spatial information, amino acid conservation, physicochemical variation, residue mobility, and thermodynamic stability) performed at Invitae indicates that this missense variant is not expected to disrupt LRP2 protein function with a negative predictive value of 80%. In summary, the available evidence is currently insufficient to determine the role of this variant in disease. Therefore, it has been classified as a Variant of Uncertain Significance.